The following is an entry in ClinVar:

NM_001458.5(FLNC):c.7689T>C (p.Tyr2563=)

Genes: FLNC (filamin C; plus strand), FLNC-AS1 (FLNC antisense RNA 1; minus strand). Cytogenetic location: 7q32.1.
Variant type: single nucleotide variant.
Coding change: c.7689T>C on transcript NM_001458.5 (MANE Select); coding-DNA position 7689, T replaced by C.
Protein change: p.Tyr2563=; no amino-acid change (tyrosine 2563 retained).
Molecular consequence: synonymous variant.
Genome position (GRCh38, 1-based): chr7:128,857,245, T>C. VCF-style: chr7-128857245-T-C. GRCh37 (hg19) VCF-style: chr7-128497299-T-C.
Other names: c.7590T>C, p.Tyr2530= (NM_001127487.2).
Identifiers: ClinVar variation 2417283 (VCV002417283.12), dbSNP rs1177579298, ClinGen allele CA457850514.

ClinVar aggregate classification (germline): Likely benign. Review status: criteria provided, multiple submitters, no conflicts (2 of 4 stars). 2 submissions from 2 submitters: Likely benign (2). Last evaluated 2026-02-01.

Conditions:
Distal myopathy with posterior leg and anterior hand involvement. Also called: WILLIAMS DISTAL MYOPATHY. Identifiers: Orphanet 63273, MedGen C3279722, MONDO:0013550, OMIM 614065.
Myofibrillar myopathy 5. Also called: Filaminopathy (type); FILAMINOPATHY, AUTOSOMAL DOMINANT. Identifiers: Orphanet 171445, MedGen C1836050, MONDO:0012289, OMIM 609524.
Hypertrophic cardiomyopathy 26. Also called: Cardiomyopathy, familial hypertrophic, 26. Identifiers: Orphanet 75249, MedGen C4310749, MONDO:0014883, OMIM 617047.

Submissions (2):

CeGaT Center for Human Genetics Tuebingen
Classification: Likely benign. Last evaluated: 2026-02-01. Review status: criteria provided, single submitter. Criteria: CeGaT Center For Human Genetics Tuebingen Variant Classification Criteria Version 2. Collection method: clinical testing. Allele origin: germline. Affected: yes. Observed: 1 variant allele.
Comment: FLNC: BP4, BP7

Labcorp Genetics (formerly Invitae), Labcorp
Classification: Likely benign for Distal myopathy with posterior leg and anterior hand involvement; Myofibrillar myopathy 5; Hypertrophic cardiomyopathy 26. Last evaluated: 2022-03-18. Review status: criteria provided, single submitter. Criteria: Invitae Variant Classification Sherloc (09022015). Collection method: clinical testing. Allele origin: germline.